The following is an entry in ClinVar:

NM_001130987.2(DYSF):c.4591G>A (p.Gly1531Ser)

Gene: DYSF (dysferlin; plus strand). Cytogenetic location: 2p13.2.
Variant type: single nucleotide variant.
Coding change: c.4591G>A on transcript NM_001130987.2 (MANE Select); coding-DNA position 4591, G replaced by A.
Protein change: p.Gly1531Ser; replaces glycine 1531 with serine.
Molecular consequence: missense variant.
Genome position (GRCh38, 1-based): chr2:71,644,028, G>A. VCF-style: chr2-71644028-G-A. GRCh37 (hg19) VCF-style: chr2-71871158-G-A.
Other names: c.4477G>A, p.Gly1493Ser (NM_001130455.2); c.4432G>A, p.Gly1478Ser (NM_001130976.2); c.4495G>A, p.Gly1499Ser (NM_001130977.2); c.4537G>A, p.Gly1513Ser (NM_001130978.2); c.4567G>A, p.Gly1523Ser (NM_001130979.2); c.4525G>A, p.Gly1509Ser (NM_001130980.2); c.4588G>A, p.Gly1530Ser (NM_001130981.2); c.4570G>A, p.Gly1524Ser (NM_001130982.2); and 5 more; short protein forms G1492S, G1531S, G1513S, G1524S, G1493S, G1499S, G1478S, G1479S.
Identifiers: ClinVar variation 425202 (VCV000425202.46), dbSNP rs747398354, ClinGen allele CA1707058.

ClinVar aggregate classification (germline): Uncertain significance. Review status: criteria provided, multiple submitters, no conflicts (2 of 4 stars). 3 submissions from 3 submitters: Uncertain significance (2). 1 of the submissions does not count toward it. Last evaluated 2022-08-16.

Conditions:
Neuromuscular disease caused by qualitative or quantitative defects of dysferlin. Also called: Qualitative or quantitative defects of dysferlin; Dysferlinopathy. Identifiers: Orphanet 207073, MedGen C2931687, MONDO:0016145.
Autosomal recessive limb-girdle muscular dystrophy type 2B (LGMDR2). Also called: Limb-girdle muscular dystrophy, type 2B; Limb-Girdle Muscular Dystrophy Type 2B (LGMD2B); MUSCULAR DYSTROPHY, LIMB-GIRDLE, TYPE 3; MUSCULAR DYSTROPHY, LIMB-GIRDLE, AUTOSOMAL RECESSIVE 2. Identifiers: Orphanet 268, MedGen C1850889, MONDO:0009676, OMIM 253601.

Allele frequency attached by ClinVar (database versions not stated): gnomAD exomes 0.00001 and 0.00002; TOPMed 0.00001; ExAC 0.00002.

Submissions (3):

Labcorp Genetics (formerly Invitae), Labcorp
Classification: Uncertain significance for Neuromuscular disease caused by qualitative or quantitative defects of dysferlin. Last evaluated: 2022-08-16. Review status: criteria provided, single submitter. Criteria: Invitae Variant Classification Sherloc (09022015). Collection method: clinical testing. Allele origin: germline.
Comment: This sequence change replaces glycine, which is neutral and non-polar, with serine, which is neutral and polar, at codon 1492 of the DYSF protein (p.Gly1492Ser). This variant is present in population databases (rs747398354, gnomAD 0.007%). This variant has not been reported in the literature in individuals affected with DYSF-related conditions. ClinVar contains an entry for this variant (Variation ID: 425202). Advanced modeling of protein sequence and biophysical properties (such as structural, functional, and spatial information, amino acid conservation, physicochemical variation, residue mobility, and thermodynamic stability) performed at Invitae indicates that this missense variant is not expected to disrupt DYSF protein function. In summary, the available evidence is currently insufficient to determine the role of this variant in disease. Therefore, it has been classified as a Variant of Uncertain Significance.

CeGaT Center for Human Genetics Tuebingen
Classification: Uncertain significance. Last evaluated: 2016-12-01. Review status: criteria provided, single submitter. Criteria: CeGaT Center For Human Genetics Tuebingen Variant Classification Criteria Version 2. Collection method: clinical testing. Allele origin: germline. Affected: yes. Observed: 1 variant allele.

Natera, Inc.
Classification: Uncertain significance for Limb-girdle muscular dystrophy type 2B. Last evaluated: 2019-10-28. Review status: no assertion criteria provided. Collection method: clinical testing. Allele origin: germline. Not counted in ClinVar's aggregate classification.